The following is an entry in ClinVar:

NM_033028.5(BBS4):c.179A>G (p.Gln60Arg)

Gene: BBS4 (Bardet-Biedl syndrome 4; plus strand). Cytogenetic location: 15q24.1.
Variant type: single nucleotide variant.
Coding change: c.179A>G on transcript NM_033028.5 (MANE Select); coding-DNA position 179, A replaced by G.
Protein change: p.Gln60Arg; replaces glutamine 60 with arginine.
Molecular consequence: missense variant. On other transcripts: 5 prime UTR variant (1), non-coding transcript variant (2).
Genome position (GRCh38, 1-based): chr15:72,712,266, A>G. VCF-style: chr15-72712266-A-G. GRCh37 (hg19) VCF-style: chr15-73004607-A-G.
Other names: c.-343A>G (NM_001252678.2); c.179A>G, p.Gln60Arg (NM_001320665.2); c.179A>G (NM_033028.4); short protein forms Q60R.
Identifiers: ClinVar variation 1519620 (VCV001519620.7), dbSNP rs916245903, ClinGen allele CA272635105.
Genomic context (GRCh38, chr15:72,712,266, plus strand): 5'-TTAACCACTGCTCAGAAGCATTTTTCTCCCTCTTTCAGGCTGTTATCAAAGAACAGCTTC[A>G]AGAGACTCAGGGATTGTGTGAATATGCTATCTATGTCCAAGGTAAGACACATACTTCTTG-3'
Protein context (NP_149017.2, residues 50-70): ACKAVIKEQL[Gln60Arg]ETQGLCEYAI

ClinVar aggregate classification (germline): Uncertain significance. Review status: criteria provided, multiple submitters, no conflicts (2 of 4 stars). 2 submissions from 2 submitters: Uncertain significance (2). Last evaluated 2026-08-28.

Conditions:
Bardet-Biedl syndrome (BBS). Identifiers: Orphanet 110, MedGen C0752166, MONDO:0015229.
BBS4-related disorder. Also called: BBS4-related condition.

Allele frequency attached by ClinVar (database versions not stated): gnomAD exomes below 0.00001; gnomAD 0.00001; TOPMed 0.00003.
gnomAD v4.1: 3 of 1,613,960 alleles (0.00019%); highest among the groups gnomAD compares: African/African-American, 0.004%; no homozygotes.

Submissions (2):

PreventionGenetics, part of Exact Sciences
Classification: Uncertain significance for BBS4-related condition. Last evaluated: 2026-08-28. Review status: criteria provided, single submitter. Criteria: ACMG Guidelines, 2015. Collection method: clinical testing. Allele origin: germline.
Comment: The BBS4 c.179A>G variant is predicted to result in the amino acid substitution p.Gln60Arg. To our knowledge, this variant has not been reported in the literature or in a large population database (gnomAD), indicating this variant is rare. At this time, the clinical significance of this variant is uncertain due to the absence of conclusive functional and genetic evidence.

Labcorp Genetics (formerly Invitae), Labcorp
Classification: Uncertain significance for Bardet-Biedl syndrome. Last evaluated: 2025-12-08. Review status: criteria provided, single submitter. Criteria: Invitae Variant Classification Sherloc (09022015). Collection method: clinical testing. Allele origin: germline.
Comment: This sequence change replaces glutamine, which is neutral and polar, with arginine, which is basic and polar, at codon 60 of the BBS4 protein (p.Gln60Arg). This variant is not present in population databases (gnomAD no frequency). This variant has not been reported in the literature in individuals affected with BBS4-related conditions. ClinVar contains an entry for this variant (Variation ID: 1519620). An algorithm developed to predict the effect of missense changes on protein structure and function (PolyPhen-2) suggests that this variant is likely to be tolerated. In summary, the available evidence is currently insufficient to determine the role of this variant in disease. Therefore, it has been classified as a Variant of Uncertain Significance.